The following is an entry in ClinVar:

ClinVar aggregate classification (germline): Conflicting classifications of pathogenicity. Review status: criteria provided, conflicting classifications (1 of 4 stars). 5 submissions from 5 submitters: Uncertain significance (4); Likely benign (1). Last evaluated 2025-09-23.

Conditions:
Hennekam lymphangiectasia-lymphedema syndrome 2 (HKLLS2). Identifiers: Orphanet 2136, MedGen C4014939, MONDO:0014454, OMIM 616006.
Van Maldergem syndrome 2 (VMLDS2). Identifiers: Orphanet 314679, MedGen C3809875, MONDO:0014242, OMIM 615546.

Allele frequency attached by ClinVar (database versions not stated): 1000 Genomes Project 30x 0.00016; 1000 Genomes Project 0.00020; gnomAD 0.00022 and 0.00023; ExAC 0.00005; gnomAD exomes 0.00014; TOPMed 0.00022.
gnomAD v4.1: 107 of 1,613,834 alleles (0.0066%); highest among the groups gnomAD compares: Admixed American, 0.09%; no homozygotes.

Submissions (5):

Dasa
Classification: Uncertain significance. Last evaluated: 2025-09-23. Review status: criteria provided, single submitter. Criteria: DASA Assertion Criteria. Collection method: clinical testing. Allele origin: germline.
Comment: NM_001291303.3(FAT4):c.7196T>C (p.Ile2399Thr) is a missense variant that results in the substitution of isoleucine with threonine. This variant is rare in population databases. The currently available literature and clinical evidence are not sufficient to establish a definitive association between this variant and the reported condition. Therefore, this variant is classified as a variant of uncertain significance.

Labcorp Genetics (formerly Invitae), Labcorp
Classification: Likely benign. Last evaluated: 2025-09-01. Review status: criteria provided, single submitter. Criteria: Invitae Variant Classification Sherloc (09022015). Collection method: clinical testing. Allele origin: germline.

Clinical Genomics Laboratory, Washington University in St. Louis
Classification: Uncertain significance for Hennekam lymphangiectasia-lymphedema syndrome 2; Van Maldergem syndrome 2. Last evaluated: 2025-02-06. Review status: criteria provided, single submitter. Criteria: ACMG Guidelines, 2015. Collection method: clinical testing. Allele origin: germline.
Comment: A FAT4 c.7196T>C (p.Ile2399Thr) variant was identified at a heterozygous allelic fraction of 50.1%, a frequency which may be consistent with germline origin. This variant, to our knowledge, has not been reported in the medical literature but has been reported in the ClinVar database as a germline variant of uncertain significance by two submitters and likely benign by one submitter (ClinVar ID: 430081). The FAT4 c.7196T>C (p.Ile2399Thr) variant is only observed on 107/1,613,834 alleles in the general population (gnomAD v.4.1.0), indicating it is not a common variant. Computational predictors are uncertain as to the impact of this variant on FAT4 function. Due to limited information, and based on ACMG/AMP guidelines for variant interpretation (Richards S et al., PMID: 25741868), the clinical significance of this variant is uncertain at this time.

Fulgent Genetics
Classification: Uncertain significance for Van Maldergem syndrome 2; Hennekam lymphangiectasia-lymphedema syndrome 2. Last evaluated: 2024-03-06. Review status: criteria provided, single submitter. Criteria: ACMG Guidelines, 2015. Collection method: clinical testing. Allele origin: germline.

GeneDx
Classification: Uncertain significance. Last evaluated: 2017-05-18. Review status: criteria provided, single submitter. Criteria: GeneDx Variant Classification (06012015). Collection method: clinical testing. Allele origin: germline. Affected: yes.
Comment: A variant of uncertain significance has been identified in the FAT4 gene. The I2399T variant has not been published as a pathogenic variant, nor has it been reported as a benign variant to our knowledge. The I2399T variant is observed in 4/11558 (0.04%) alleles from individuals of Latino background (Lek et al., 2016; 1000 Genomes Consortium et al., 2015; Exome Variant Server). The I2399T variant is a non-conservative amino acid substitution, which is likely to impact secondary protein structure as these residues differ in polarity, charge, size and/or other properties. In silico analysis predicts this variant is probably damaging to the protein structure/function. However, this substitution occurs at a position where amino acids with similar properties to Isoleucine are tolerated across species. Therefore, based on the currently available information, it is unclear whether this variant is a pathogenic variant or a rare benign variant.

NM_001291303.3(FAT4):c.7196T>C (p.Ile2399Thr)

Gene: FAT4 (FAT atypical cadherin 4; plus strand). Cytogenetic location: 4q28.1.
Variant type: single nucleotide variant.
Coding change: c.7196T>C on transcript NM_001291303.3 (MANE Select); coding-DNA position 7196, T replaced by C.
Protein change: p.Ile2399Thr; replaces isoleucine 2399 with threonine.
Molecular consequence: missense variant.
Genome position (GRCh38, 1-based): chr4:125,434,422, T>C. VCF-style: chr4-125434422-T-C. GRCh37 (hg19) VCF-style: chr4-126355577-T-C.
Other names: c.7196T>C (NM_024582.5); c.7196T>C, p.Ile2399Thr (NM_001291285.3, NM_024582.6); short protein forms I2399T.
Identifiers: ClinVar variation 430081 (VCV000430081.14), dbSNP rs140285782, ClinGen allele CA3073112.